The following is an entry in ClinVar:

ClinVar aggregate classification (germline): Likely benign. Review status: criteria provided, multiple submitters, no conflicts (2 of 4 stars). 2 submissions from 2 submitters: Likely benign (2). Last evaluated 2026-01-18.

Conditions:
MOCS1-related disorder. Also called: MOCS1-related condition.
Sulfite oxidase deficiency due to molybdenum cofactor deficiency type A. Also called: Molybdenum Cofactor Deficiency A; Molybdenum cofactor deficiency, complementation group A. Identifiers: Orphanet 308386, Orphanet 833, MedGen C1854988, MONDO:0009643, OMIM 252150.

Allele frequency attached by ClinVar (database versions not stated): gnomAD 0.00061 and 0.00056; TOPMed 0.00067; 1000 Genomes Project 30x 0.00078; gnomAD exomes 0.00014; ExAC 0.00019; ESP Exome Variant Server 0.00046; 1000 Genomes Project 0.00080.
gnomAD v4.1: 180 of 1,613,860 alleles (0.011%); highest among the groups gnomAD compares: African/African-American, 0.19%; no homozygotes.

Submissions (2):

Labcorp Genetics (formerly Invitae), Labcorp
Classification: Likely benign for Sulfite oxidase deficiency due to molybdenum cofactor deficiency type A. Last evaluated: 2026-01-18. Review status: criteria provided, single submitter. Criteria: Invitae Variant Classification Sherloc (09022015). Collection method: clinical testing. Allele origin: germline.

PreventionGenetics, part of Exact Sciences
Classification: Likely benign for MOCS1-related condition. Last evaluated: 2024-11-05. Review status: criteria provided, single submitter. Criteria: ACMG Guidelines, 2015. Collection method: clinical testing. Allele origin: germline.
Comment: This variant is classified as likely benign based on ACMG/AMP sequence variant interpretation guidelines (Richards et al. 2015 PMID: 25741868, with internal and published modifications).

NM_001358530.2(MOCS1):c.1744C>T (p.Arg582Trp)

Gene: MOCS1 (molybdenum cofactor synthesis 1; minus strand). Cytogenetic location: 6p21.2.
Variant type: single nucleotide variant.
Coding change: c.1744C>T on transcript NM_001358530.2 (MANE Select); coding-DNA position 1744, C replaced by T.
Protein change: p.Arg582Trp; replaces arginine 582 with tryptophan.
Molecular consequence: missense variant. On other transcripts: 3 prime UTR variant (4), non-coding transcript variant (1).
Genome position (GRCh38, 1-based): chr6:39,906,524, G>A on the plus strand (C>T on the coding strand, the complement: MOCS1 is on the minus strand). VCF-style: chr6-39906524-G-A. GRCh37 (hg19) VCF-style: chr6-39874300-G-A.
Other names: c.*601C>T (NM_001075098.4, NM_001358533.2, NM_001358534.2 and 1 more transcripts); c.1696C>T, p.Arg566Trp (NM_001358529.2); c.1483C>T, p.Arg495Trp (NM_001358531.2); c.1744C>T (NM_001358530.1); short protein forms R495W, R566W, R582W.
Identifiers: ClinVar variation 1586034 (VCV001586034.9), dbSNP rs146849119, ClinGen allele CA3795903.